The following is an entry in ClinVar:

NM_002458.3(MUC5B):c.14460T>A (p.Thr4820=)

Gene: MUC5B (mucin 5B, oligomeric mucus/gel-forming; plus strand). Cytogenetic location: 11p15.5.
Variant type: single nucleotide variant.
Coding change: c.14460T>A on transcript NM_002458.3 (MANE Select); coding-DNA position 14460, T replaced by A.
Protein change: p.Thr4820=; no amino-acid change (threonine 4820 retained).
Molecular consequence: synonymous variant.
Genome position (GRCh38, 1-based): chr11:1,251,340, T>A. VCF-style: chr11-1251340-T-A. GRCh37 (hg19) VCF-style: chr11-1272570-T-A.
Identifiers: ClinVar variation 2641308 (VCV002641308.24), dbSNP rs771200093, ClinGen allele CA5808682.

ClinVar aggregate classification (germline): Likely benign (1 of 4 stars; one submission).

Allele frequency attached by ClinVar (database versions not stated): ExAC 0.00001.
gnomAD v4.1: 11 of 1,561,268 alleles (0.0007%); highest among the groups gnomAD compares: Admixed American, 0.0017%; no homozygotes.

Submission:

CeGaT Center for Human Genetics Tuebingen
Classification: Likely benign. Last evaluated: 2026-01-01. Review status: criteria provided, single submitter. Criteria: CeGaT Center For Human Genetics Tuebingen Variant Classification Criteria Version 2. Collection method: clinical testing. Allele origin: germline. Affected: yes. Observed: 6 variant alleles.
Comment: MUC5B: BP4, BP7